The following is an entry in ClinVar:

NM_004082.5(DCTN1):c.178G>A (p.Val60Met)

Gene: DCTN1 (dynactin subunit 1; minus strand). Cytogenetic location: 2p13.1.
Variant type: single nucleotide variant.
Coding change: c.178G>A on transcript NM_004082.5 (MANE Select); coding-DNA position 178, G replaced by A.
Protein change: p.Val60Met; replaces valine 60 with methionine.
Molecular consequence: missense variant. On other transcripts: non-coding transcript variant (1).
Genome position (GRCh38, 1-based): chr2:74,378,101, C>T on the plus strand (G>A on the coding strand, the complement: DCTN1 is on the minus strand). VCF-style: chr2-74378101-C-T. GRCh37 (hg19) VCF-style: chr2-74605228-C-T.
Other names: c.178G>A, p.Val60Met (NM_001135040.3, NM_001190837.2); c.127G>A, p.Val43Met (NM_001190836.2, NM_001378991.1, NM_001378992.1); short protein forms V43M, V60M.
Identifiers: ClinVar variation 851216 (VCV000851216.11), dbSNP rs74768853, ClinGen allele CA1722596.

ClinVar aggregate classification (germline): Uncertain significance. Review status: criteria provided, multiple submitters, no conflicts (2 of 4 stars). 2 submissions from 2 submitters: Uncertain significance (2). Last evaluated 2026-01-12.

Conditions:
Amyotrophic lateral sclerosis type 1 (ALS1). Also called: AMYOTROPHIC LATERAL SCLEROSIS 1, FAMILIAL. Identifiers: Orphanet 803, MedGen C1862939, MONDO:0007103, OMIM 105400.
Perry syndrome. Also called: PARKINSONISM WITH ALVEOLAR HYPOVENTILATION AND MENTAL DEPRESSION. Identifiers: Orphanet 178509, MedGen C1868594, MONDO:0008201, OMIM 168605.
Neuronopathy, distal hereditary motor, type 7B. Also called: Distal Hereditary Motor Neuronopathy Type 7B (dHMN7B); NEURONOPATHY, DISTAL HEREDITARY MOTOR, AUTOSOMAL DOMINANT 14; NEURONOPATHY, DISTAL HEREDITARY MOTOR, HARDING TYPE VIIB; NEUROPATHY, DISTAL HEREDITARY MOTOR, HARDING TYPE VIIB; NEUROPATHY, DISTAL HEREDITARY MOTOR, WITH VOCAL CORD PARALYSIS, HARDING TYPE VIIB; HMN VIIB. Identifiers: Orphanet 139589, MedGen C1843315, MONDO:0011879, OMIM 607641.

Allele frequency attached by ClinVar (database versions not stated): gnomAD exomes below 0.00001; ExAC 0.00001; TOPMed 0.00001.

Submissions (2):

Women's Health and Genetics/Laboratory Corporation of America, LabCorp
Classification: Uncertain significance. Last evaluated: 2026-01-12. Review status: criteria provided, single submitter. Criteria: LabCorp Variant Classification Summary - May 2015. Collection method: clinical testing. Allele origin: germline.
Comment: Variant summary: DCTN1 c.178G>A (p.Val60Met) results in a conservative amino acid change in the encoded protein sequence. Algorithms developed to predict the effect of missense changes on protein structure and function are either unavailable or do not agree on the potential impact of this missense change. The variant allele was found at a frequency of 4e-06 in 251496 control chromosomes. The available data on variant occurrences in the general population are insufficient to allow any conclusion about variant significance. To our knowledge, no occurrence of c.178G>A in individuals affected with DCTN1-related conditions and no experimental evidence demonstrating its impact on protein function have been reported. ClinVar contains an entry for this variant (Variation ID: 851216). Based on the evidence outlined above, the variant was classified as uncertain significance.

Labcorp Genetics (formerly Invitae), Labcorp
Classification: Uncertain significance for Amyotrophic lateral sclerosis type 1; Neuronopathy, distal hereditary motor, type 7B; Perry syndrome. Last evaluated: 2022-11-07. Review status: criteria provided, single submitter. Criteria: Invitae Variant Classification Sherloc (09022015). Collection method: clinical testing. Allele origin: germline.
Comment: This sequence change replaces valine, which is neutral and non-polar, with methionine, which is neutral and non-polar, at codon 60 of the DCTN1 protein (p.Val60Met). In summary, the available evidence is currently insufficient to determine the role of this variant in disease. Therefore, it has been classified as a Variant of Uncertain Significance. Advanced modeling of protein sequence and biophysical properties (such as structural, functional, and spatial information, amino acid conservation, physicochemical variation, residue mobility, and thermodynamic stability) performed at Invitae indicates that this missense variant is expected to disrupt DCTN1 protein function. ClinVar contains an entry for this variant (Variation ID: 851216). This variant has not been reported in the literature in individuals affected with DCTN1-related conditions. This variant is present in population databases (rs74768853, gnomAD 0.0009%).